The following is an entry in ClinVar:

ClinVar aggregate classification (germline): Uncertain significance (1 of 4 stars; one submission).

Submission:

CeGaT Center for Human Genetics Tuebingen
Classification: Uncertain significance. Last evaluated: 2023-11-01. Review status: criteria provided, single submitter. Criteria: CeGaT Center For Human Genetics Tuebingen Variant Classification Criteria Version 2. Collection method: clinical testing. Allele origin: germline. Affected: yes. Observed: 1 variant allele.
Comment: MYL2: PM2

NM_000432.4(MYL2):c.421G>T (p.Ala141Ser)

Gene: MYL2 (myosin light chain 2; minus strand). Cytogenetic location: 12q24.11.
Variant type: single nucleotide variant.
Coding change: c.421G>T on transcript NM_000432.4 (MANE Select); coding-DNA position 421, G replaced by T.
Protein change: p.Ala141Ser; replaces alanine 141 with serine.
Molecular consequence: missense variant.
Genome position (GRCh38, 1-based): chr12:110,911,157, C>A on the plus strand (G>T on the coding strand, the complement: MYL2 is on the minus strand). VCF-style: chr12-110911157-C-A. GRCh37 (hg19) VCF-style: chr12-111348961-C-A.
Other names: c.379G>T, p.Ala127Ser (NM_001406745.1, NM_001406746.1); c.364G>T, p.Ala122Ser (NM_001406916.1); short protein forms A122S, A127S, A141S.
Identifiers: ClinVar variation 2672519 (VCV002672519.23), dbSNP rs727504559, ClinGen allele CA386696978.